The following is an entry in ClinVar:

ClinVar aggregate classification (germline): Conflicting classifications of pathogenicity. Review status: criteria provided, conflicting classifications (1 of 4 stars). 2 submissions from 2 submitters: Uncertain significance (1); Likely benign (1). Last evaluated 2025-04-17.

Conditions:
Charcot-Marie-Tooth disease axonal type 2O. Also called: Charcot-Marie-Tooth disease, axonal, type 20; CHARCOT-MARIE-TOOTH NEUROPATHY, AXONAL, TYPE 2O; CHARCOT-MARIE-TOOTH DISEASE, AXONAL, AUTOSOMAL DOMINANT, TYPE 2O; Charcot-Marie-Tooth Neuropathy Type 2O. Identifiers: Orphanet 284232, MedGen C3280220, MONDO:0013644, OMIM 614228.

Allele frequency attached by ClinVar (database versions not stated): gnomAD exomes 0.00001.
gnomAD v4.1: 15 of 1,614,224 alleles (0.00093%); highest among the groups gnomAD compares: Non-Finnish European, 0.0013%; no homozygotes.

Submissions (2):

Labcorp Genetics (formerly Invitae), Labcorp
Classification: Uncertain significance for Charcot-Marie-Tooth disease axonal type 2O. Last evaluated: 2025-04-17. Review status: criteria provided, single submitter. Criteria: Invitae Variant Classification Sherloc (09022015). Collection method: clinical testing. Allele origin: germline.
Comment: This sequence change replaces threonine, which is neutral and polar, with alanine, which is neutral and non-polar, at codon 1737 of the DYNC1H1 protein (p.Thr1737Ala). This variant is not present in population databases (gnomAD no frequency). This variant has not been reported in the literature in individuals affected with DYNC1H1-related conditions. ClinVar contains an entry for this variant (Variation ID: 425055). Invitae Evidence Modeling of protein sequence and biophysical properties (such as structural, functional, and spatial information, amino acid conservation, physicochemical variation, residue mobility, and thermodynamic stability) indicates that this missense variant is not expected to disrupt DYNC1H1 protein function with a negative predictive value of 95%. In summary, the available evidence is currently insufficient to determine the role of this variant in disease. Therefore, it has been classified as a Variant of Uncertain Significance.

CeGaT Center for Human Genetics Tuebingen
Classification: Likely benign. Last evaluated: 2023-03-01. Review status: criteria provided, single submitter. Criteria: CeGaT Center For Human Genetics Tuebingen Variant Classification Criteria Version 2. Collection method: clinical testing. Allele origin: germline. Affected: yes. Observed: 1 variant allele.
Comment: DYNC1H1: PM2, PP2, BP4, BP5, BS2

NM_001376.5(DYNC1H1):c.5209A>G (p.Thr1737Ala)

Gene: DYNC1H1 (dynein cytoplasmic 1 heavy chain 1; plus strand). Cytogenetic location: 14q32.31.
Variant type: single nucleotide variant.
Coding change: c.5209A>G on transcript NM_001376.5 (MANE Select); coding-DNA position 5209, A replaced by G.
Protein change: p.Thr1737Ala; replaces threonine 1737 with alanine.
Molecular consequence: missense variant.
Genome position (GRCh38, 1-based): chr14:102,004,921, A>G. VCF-style: chr14-102004921-A-G. GRCh37 (hg19) VCF-style: chr14-102471258-A-G.
Other names: short protein forms T1737A.
Identifiers: ClinVar variation 425055 (VCV000425055.28), dbSNP rs1064797192, ClinGen allele CA16621665.